The following is an entry in ClinVar:

NM_032444.4(SLX4):c.678C>T (p.His226=)

Gene: SLX4 (SLX4 structure-specific endonuclease subunit; minus strand). Cytogenetic location: 16p13.3.
Variant type: single nucleotide variant.
Coding change: c.678C>T on transcript NM_032444.4 (MANE Select); coding-DNA position 678, C replaced by T.
Protein change: p.His226=; no amino-acid change (histidine 226 retained).
Molecular consequence: synonymous variant.
Genome position (GRCh38, 1-based): chr16:3,606,556, G>A on the plus strand (C>T on the coding strand, the complement: SLX4 is on the minus strand). VCF-style: chr16-3606556-G-A. GRCh37 (hg19) VCF-style: chr16-3656557-G-A.
Other names: p.His226=; c.678C>T (LRG_503t1, NM_032444.3).
Identifiers: ClinVar variation 262057 (VCV000262057.32), dbSNP rs28516461, ClinGen allele CA7866791.

ClinVar aggregate classification (germline): Benign/Likely benign. Review status: criteria provided, multiple submitters, no conflicts (2 of 4 stars). 10 submissions from 10 submitters: Benign (8); Likely benign (1). 1 of the submissions does not count toward it. Last evaluated 2026-02-04.

Conditions:
Fanconi anemia (FA). Also called: Fanconi's anemia. Identifiers: Orphanet 84, MedGen C0015625, MeSH D005199, MONDO:0019391.
Fanconi anemia complementation group P. Also called: SLX4-Related Fanconi Anemia. Identifiers: Orphanet 84, MedGen C3469542, MONDO:0013499, OMIM 613951.

Allele frequency attached by ClinVar (database versions not stated): gnomAD exomes 0.04916; ExAC 0.05456; ESP Exome Variant Server 0.09512; TOPMed 0.09932; 1000 Genomes Project 0.13179; 1000 Genomes Project 30x 0.13570.
gnomAD v4.1: 57,434 of 1,614,068 alleles (3.6%); highest among the groups gnomAD compares: African/African-American, 26%; 3,877 homozygotes.

Submissions (10):

Labcorp Genetics (formerly Invitae), Labcorp
Classification: Benign for Fanconi anemia. Last evaluated: 2026-02-04. Review status: criteria provided, single submitter. Criteria: Invitae Variant Classification Sherloc (09022015). Collection method: clinical testing. Allele origin: germline.

ARUP Laboratories, Molecular Genetics and Genomics, ARUP Laboratories
Classification: Benign for Fanconi anemia complementation group P. Last evaluated: 2025-05-21. Review status: criteria provided, single submitter. Criteria: ARUP Molecular Germline Variant Investigation Process 2024. Collection method: clinical testing. Allele origin: germline.

Blueprint Genetics
Classification: Likely benign. Last evaluated: 2024-11-27. Review status: criteria provided, single submitter. Criteria: ACMG Guidelines, 2015. Collection method: clinical testing. Allele origin: germline.

KCCC/NGS Laboratory, Kuwait Cancer Control Center
Classification: Benign for Fanconi anemia complementation group P. Last evaluated: 2023-07-07. Review status: criteria provided, single submitter. Criteria: ACMG Guidelines, 2015. Collection method: clinical testing. Allele origin: germline. Affected: yes.

Mayo Clinic Laboratories, Mayo Clinic
Classification: Benign. Last evaluated: 2022-09-08. Review status: criteria provided, single submitter. Criteria: ACMG Guidelines, 2015. Collection method: clinical testing. Allele origin: germline. Observed: 4 variant alleles.

GeneDx
Classification: Benign. Last evaluated: 2019-03-25. Review status: criteria provided, single submitter. Criteria: GeneDx Variant Classification Process June 2021. Collection method: clinical testing. Allele origin: germline. Affected: yes.

Illumina Laboratory Services, Illumina
Classification: Benign for Fanconi anemia complementation group P. Last evaluated: 2018-01-13. Review status: criteria provided, single submitter. Criteria: ICSL Variant Classification Criteria 13 December 2019. Collection method: clinical testing. Allele origin: germline.
Comment: This variant was observed in the ICSL laboratory as part of a predisposition screen in an ostensibly healthy population. It had not been previously curated by ICSL or reported in the Human Gene Mutation Database (HGMD: prior to June 1st, 2018), and was therefore a candidate for classification through an automated scoring system. Utilizing variant allele frequency, disease prevalence and penetrance estimates, and inheritance mode, an automated score was calculated to assess if this variant is too frequent to cause the disease. Based on the score and internal cut-off values, a variant classified as benign is not then subjected to further curation. The score for this variant resulted in a classification of benign for this disease.

Breakthrough Genomics
Classification: Benign. Review status: criteria provided, single submitter. Criteria: ACMG Guidelines, 2015. Collection method: not provided. Allele origin: germline. Inheritance: Autosomal recessive inheritance. Affected: yes.

PreventionGenetics, part of Exact Sciences
Classification: Benign. Review status: criteria provided, single submitter. Criteria: ACMG Guidelines, 2015. Collection method: clinical testing. Allele origin: germline.

Leiden Open Variation Database
Classification: Likely benign. Last evaluated: 2012-08-31. Review status: no assertion criteria provided. Collection method: curation. Allele origin: germline. Affected: yes. Not counted in ClinVar's aggregate classification.
Comment: Curator: Arleen D. Auerbach. Submitter to LOVD: Janine Bakker.

Literature cited by the submitters: PubMed 22911665 (cited by Leiden Open Variation Database).